The following is an entry in ClinVar:

NM_018943.3(TUBA8):c.220G>C (p.Val74Leu)

Gene: TUBA8 (tubulin alpha 8; plus strand). Cytogenetic location: 22q11.21.
Variant type: single nucleotide variant.
Coding change: c.220G>C on transcript NM_018943.3 (MANE Select); coding-DNA position 220, G replaced by C.
Protein change: p.Val74Leu; replaces valine 74 with leucine.
Molecular consequence: missense variant.
Genome position (GRCh38, 1-based): chr22:18,121,695, G>C. VCF-style: chr22-18121695-G-C. GRCh37 (hg19) VCF-style: chr22-18604462-G-C.
Other names: c.22G>C, p.Val8Leu (NM_001193414.2); short protein forms V8L, V74L.
Identifiers: ClinVar variation 2009434 (VCV002009434.4), dbSNP rs1417998581, ClinGen allele CA410261889.

ClinVar aggregate classification (germline): Uncertain significance (1 of 4 stars; one submission).

Submission:

Labcorp Genetics (formerly Invitae), Labcorp
Classification: Uncertain significance. Last evaluated: 2024-10-23. Review status: criteria provided, single submitter. Criteria: Invitae Variant Classification Sherloc (09022015). Collection method: clinical testing. Allele origin: germline.
Comment: This sequence change replaces valine, which is neutral and non-polar, with leucine, which is neutral and non-polar, at codon 74 of the TUBA8 protein (p.Val74Leu). This variant is not present in population databases (gnomAD no frequency). This variant has not been reported in the literature in individuals affected with TUBA8-related conditions. ClinVar contains an entry for this variant (Variation ID: 2009434). Invitae Evidence Modeling of protein sequence and biophysical properties (such as structural, functional, and spatial information, amino acid conservation, physicochemical variation, residue mobility, and thermodynamic stability) indicates that this missense variant is expected to disrupt TUBA8 protein function with a positive predictive value of 80%. In summary, the available evidence is currently insufficient to determine the role of this variant in disease. Therefore, it has been classified as a Variant of Uncertain Significance.